The following is an entry in ClinVar:

NM_201384.3(PLEC):c.10469A>G (p.Gln3490Arg)

Gene: PLEC (plectin; minus strand). Cytogenetic location: 8q24.3.
Variant type: single nucleotide variant.
Coding change: c.10469A>G on transcript NM_201384.3 (MANE Select); coding-DNA position 10469, A replaced by G.
Protein change: p.Gln3490Arg; replaces glutamine 3490 with arginine.
Molecular consequence: missense variant.
Genome position (GRCh38, 1-based): chr8:143,919,352, T>C on the plus strand (A>G on the coding strand, the complement: PLEC is on the minus strand). VCF-style: chr8-143919352-T-C. GRCh37 (hg19) VCF-style: chr8-144993520-T-C.
Other names: c.10550A>G, p.Gln3517Arg (NM_000445.5); c.7169A>G, p.Gln2390Arg (NM_001410941.1); c.10427A>G, p.Gln3476Arg (NM_201378.4); c.10403A>G, p.Gln3468Arg (NM_201379.3); c.10880A>G, p.Gln3627Arg (NM_201380.4); c.10373A>G, p.Gln3458Arg (NM_201381.3); c.10469A>G, p.Gln3490Arg (NM_201382.4); c.10481A>G, p.Gln3494Arg (NM_201383.3); short protein forms Q2390R, Q3458R, Q3468R, Q3476R, Q3490R, Q3494R, Q3517R, Q3627R.
Identifiers: ClinVar variation 2684299 (VCV002684299.3), dbSNP rs371479882, ClinGen allele CA372498705.
Genomic context (GRCh38, chr8:143,919,352, plus strand): 5'-TTGGTGTCGTCGCTGGGGTCCGCCAGGACGCGGTTCATCTCCTCACTGAAGTAGCCGCGC[T>C]GGTAGGCCACGTCCACAGGCACGCGGTGGCTGTGCACGGGGTCGATGATGCCGCCCGTGG-3'
Protein context (NP_958786.1, residues 3480-3500): SHRVPVDVAY[Gln3490Arg]RGYFSEEMNR

ClinVar aggregate classification (germline): Uncertain significance. Review status: criteria provided, multiple submitters, no conflicts (2 of 4 stars). 2 submissions from 2 submitters: Uncertain significance (2). Last evaluated 2025-10-02.

Conditions:
Epidermolysis bullosa simplex 5B, with muscular dystrophy (EBS5B). Also called: Epidermolysis bullosa simplex with muscular dystrophy; EPIDERMOLYSIS BULLOSA SIMPLEX AND LIMB-GIRDLE MUSCULAR DYSTROPHY. Identifiers: Orphanet 257, MedGen C2931072, MONDO:0009181, OMIM 226670.
Autosomal recessive limb-girdle muscular dystrophy type 2Q (LGMDR17). Also called: MUSCULAR DYSTROPHY, LIMB-GIRDLE, AUTOSOMAL RECESSIVE 17. Identifiers: Orphanet 254361, MedGen C3150989, MONDO:0013390, OMIM 613723.
Epidermolysis bullosa simplex, Ogna type (EBS5A). Also called: Pidermolysis bullosa simplex 5A, Ogna type; EPIDERMOLYSIS BULLOSA SIMPLEX 5A, OGNA TYPE. Identifiers: Orphanet 79401, MedGen C0432317, MONDO:0007555, OMIM 131950.
Epidermolysis bullosa simplex 5C, with pyloric atresia (EBS5C). Also called: Epidermolysis bullosa simplex with pyloric atresia; PLEC-Related Epidermolysis Bullosa with Pyloric Atresia; PLEC1-Related Epidermolysis Bullosa with Pyloric Atresia. Identifiers: Orphanet 158684, MedGen C2677349, MONDO:0012807, OMIM 612138.
Epidermolysis bullosa simplex with nail dystrophy (EBS5D). Identifiers: MedGen C4225309, MONDO:0014661, OMIM 616487.

gnomAD v4.1: 1 of 1,613,884 alleles (0.000062%); highest among the groups gnomAD compares: Middle Eastern, 0.017%; no homozygotes.

Submissions (2):

Labcorp Genetics (formerly Invitae), Labcorp
Classification: Uncertain significance for Autosomal recessive limb-girdle muscular dystrophy type 2Q; Epidermolysis bullosa simplex, Ogna type; Epidermolysis bullosa simplex with nail dystrophy; Epidermolysis bullosa simplex 5C, with pyloric atresia; Epidermolysis bullosa simplex 5B, with muscular dystrophy. Last evaluated: 2025-10-02. Review status: criteria provided, single submitter. Criteria: Invitae Variant Classification Sherloc (09022015). Collection method: clinical testing. Allele origin: germline.
Comment: This sequence change replaces glutamine, which is neutral and polar, with arginine, which is basic and polar, at codon 3517 of the PLEC protein (p.Gln3517Arg). This variant is not present in population databases (gnomAD no frequency). This variant has not been reported in the literature in individuals affected with PLEC-related conditions. ClinVar contains an entry for this variant (Variation ID: 2684299). Invitae Evidence Modeling of protein sequence and biophysical properties (such as structural, functional, and spatial information, amino acid conservation, physicochemical variation, residue mobility, and thermodynamic stability) indicates that this missense variant is not expected to disrupt PLEC protein function with a negative predictive value of 80%. In summary, the available evidence is currently insufficient to determine the role of this variant in disease. Therefore, it has been classified as a Variant of Uncertain Significance.

Athena Diagnostics
Classification: Uncertain significance. Last evaluated: 2022-12-28. Review status: criteria provided, single submitter. Criteria: Athena Diagnostics Criteria. Collection method: clinical testing. Allele origin: unknown.
Comment: Available data are insufficient to determine the clinical significance of the variant at this time. The frequency of this variant in the general population is uninformative in assessment of its pathogenicity. Computational tools predict that this variant is not damaging.